The following is an entry in ClinVar:

ClinVar aggregate classification (germline): Uncertain significance. Review status: criteria provided, multiple submitters, no conflicts (2 of 4 stars). 2 submissions from 2 submitters: Uncertain significance (2). Last evaluated 2026-01-06.

Conditions:
Hereditary cancer-predisposing syndrome. Also called: Hereditary Cancer Syndrome; Neoplastic Syndromes, Hereditary; Tumor predisposition; Hereditary neoplastic syndrome. Identifiers: Orphanet 140162, MedGen C0027672, MeSH D009386, MONDO:0015356.
Multiple endocrine neoplasia, type 1 (MEN1). Also called: MEN I; WERMER SYNDROME; Endocrine adenomatosis multiple; MEN 1; MEA I. Identifiers: Orphanet 652, MedGen C0025267, MeSH D018761, MONDO:0007540, OMIM 131100.

gnomAD v4.1: 1 of 1,613,202 alleles (0.000062%); no homozygotes.

Submissions (2):

Ambry Genetics
Classification: Uncertain significance for Hereditary cancer-predisposing syndrome. Last evaluated: 2026-01-06. Review status: criteria provided, single submitter. Criteria: Ambry Variant Classification Scheme 2023. Collection method: clinical testing. Allele origin: germline.
Comment: The p.P296S variant (also known as c.886C>T), located in coding exon 5 of the MEN1 gene, results from a C to T substitution at nucleotide position 886. The proline at codon 296 is replaced by serine, an amino acid with similar properties. This amino acid position is well conserved in available vertebrate species. In addition, the in silico prediction for this alteration is inconclusive. Based on the available evidence, the clinical significance of this variant remains unclear.

Labcorp Genetics (formerly Invitae), Labcorp
Classification: Uncertain significance for Multiple endocrine neoplasia, type 1. Last evaluated: 2024-05-23. Review status: criteria provided, single submitter. Criteria: Invitae Variant Classification Sherloc (09022015). Collection method: clinical testing. Allele origin: germline.
Comment: This sequence change replaces proline, which is neutral and non-polar, with serine, which is neutral and polar, at codon 296 of the MEN1 protein (p.Pro296Ser). This variant is not present in population databases (gnomAD no frequency). This variant has not been reported in the literature in individuals affected with MEN1-related conditions. ClinVar contains an entry for this variant (Variation ID: 1010192). Advanced modeling of protein sequence and biophysical properties (such as structural, functional, and spatial information, amino acid conservation, physicochemical variation, residue mobility, and thermodynamic stability) performed at Invitae indicates that this missense variant is expected to disrupt MEN1 protein function with a positive predictive value of 95%. In summary, the available evidence is currently insufficient to determine the role of this variant in disease. Therefore, it has been classified as a Variant of Uncertain Significance.

NM_001370259.2(MEN1):c.886C>T (p.Pro296Ser)

Gene: MEN1 (menin 1; minus strand). Cytogenetic location: 11q13.1.
Variant type: single nucleotide variant.
Coding change: c.886C>T on transcript NM_001370259.2 (MANE Select); coding-DNA position 886, C replaced by T.
Protein change: p.Pro296Ser; replaces proline 296 with serine.
Molecular consequence: missense variant.
Genome position (GRCh38, 1-based): chr11:64,807,037, G>A on the plus strand (C>T on the coding strand, the complement: MEN1 is on the minus strand). VCF-style: chr11-64807037-G-A. GRCh37 (hg19) VCF-style: chr11-64574509-G-A.
Other names: c.901C>T, p.Pro301Ser (NM_000244.4, NM_130800.3, NM_130801.3 and 3 more transcripts); c.886C>T, p.Pro296Ser (NM_001370251.2, NM_001370260.2, NM_001370261.2 and 1 more transcripts); c.781C>T, p.Pro261Ser (NM_001370262.2, NM_001370263.2); c.886C>T (NM_130799.2); short protein forms P261S, P296S, P301S.
Identifiers: ClinVar variation 1010192 (VCV001010192.9), dbSNP rs1941777494, ClinGen allele CA381183533.